The following is an entry in ClinVar:

ClinVar aggregate classification (germline): Uncertain significance. Review status: criteria provided, multiple submitters, no conflicts (2 of 4 stars). 3 submissions from 3 submitters: Uncertain significance (3). Last evaluated 2023-06-26.

Conditions:
Arrhythmogenic cardiomyopathy with wooly hair and keratoderma. Also called: Carvajal syndrome; Dilated cardiomyopathy with woolly hair and keratoderma; Arrhythmogenic cardiomyopathy with woolly hair and keratoderma; PALMOPLANTAR KERATODERMA WITH LEFT VENTRICULAR CARDIOMYOPATHY AND WOOLLY HAIR. Identifiers: Orphanet 65282, MedGen C1854063, MONDO:0011581, OMIM 605676.
Arrhythmogenic right ventricular dysplasia 8 (ARVD8). Also called: Arrhythmogenic Right Ventricular Dysplasia/Cardiomyopathy 8; ARRHYTHMOGENIC RIGHT VENTRICULAR CARDIOMYOPATHY 8; ARRHYTHMOGENIC RIGHT VENTRICULAR DYSPLASIA, FAMILIAL, 8. Identifiers: MedGen C1843896, MONDO:0011831, OMIM 607450.

gnomAD v4.1: 2 of 1,614,180 alleles (0.00012%); highest among the groups gnomAD compares: Admixed American, 0.0033%; no homozygotes.

Submissions (3):

All of Us Research Program, National Institutes of Health
Classification: Uncertain significance for Arrhythmogenic cardiomyopathy with wooly hair and keratoderma. Last evaluated: 2023-06-26. Review status: criteria provided, single submitter. Criteria: ACMG Guidelines, 2015. Collection method: clinical testing. Allele origin: germline. Inheritance: Autosomal dominant inheritance. Observed: 1 variant allele, 1 heterozygote.
Comment: This missense variant replaces tyrosine with serine at codon 787 of the DSP protein. Computational prediction is inconclusive regarding the impact of this variant on protein structure and function (internally defined REVEL score threshold 0.5 < inconclusive < 0.7, PMID: 27666373). To our knowledge, functional studies have not been reported for this variant. This variant has been reported in an individual affected with sudden unexplained death (PMID: 31024045). This variant has not been identified in the general population by the Genome Aggregation Database (gnomAD). The available evidence is insufficient to determine the role of this variant in disease conclusively. Therefore, this variant is classified as a Variant of Uncertain Significance.

This study involves interpretation of variants in research participants for the purpose of population health screening. Participant phenotype was not available at the time of variant classification. Additional details can be found in publication PMID: 35346344, PMCID: PMC8962531

GeneDx
Classification: Uncertain significance. Last evaluated: 2023-06-13. Review status: criteria provided, single submitter. Criteria: GeneDx Variant Classification Process June 2021. Collection method: clinical testing. Allele origin: germline. Affected: yes.
Comment: Not observed at significant frequency in large population cohorts (gnomAD); In silico analysis supports that this missense variant has a deleterious effect on protein structure/function; Has not been previously published as pathogenic or benign to our knowledge

Labcorp Genetics (formerly Invitae), Labcorp
Classification: Uncertain significance for Arrhythmogenic cardiomyopathy with wooly hair and keratoderma; Arrhythmogenic right ventricular dysplasia 8. Last evaluated: 2021-02-14. Review status: criteria provided, single submitter. Criteria: Invitae Variant Classification Sherloc (09022015). Collection method: clinical testing. Allele origin: germline.
Comment: This variant is not present in population databases (ExAC no frequency). This sequence change replaces tyrosine with serine at codon 787 of the DSP protein (p.Tyr787Ser). The tyrosine residue is highly conserved and there is a large physicochemical difference between tyrosine and serine. This variant has not been reported in the literature in individuals with DSP-related conditions. ClinVar contains an entry for this variant (Variation ID: 199868). In summary, the available evidence is currently insufficient to determine the role of this variant in disease. Therefore, it has been classified as a Variant of Uncertain Significance. Algorithms developed to predict the effect of missense changes on protein structure and function are either unavailable or do not agree on the potential impact of this missense change (SIFT: "Deleterious"; PolyPhen-2: "Benign"; Align-GVGD: "Class C15").

Literature cited by the submitters: PubMed 31024045 (cited by All of Us Research Program, National Institutes of Health).

NM_004415.4(DSP):c.2360A>C (p.Tyr787Ser)

Gene: DSP (desmoplakin; plus strand). Cytogenetic location: 6p24.3.
Variant type: single nucleotide variant.
Coding change: c.2360A>C on transcript NM_004415.4 (MANE Select); coding-DNA position 2360, A replaced by C.
Protein change: p.Tyr787Ser; replaces tyrosine 787 with serine.
Molecular consequence: missense variant.
Genome position (GRCh38, 1-based): chr6:7,574,719, A>C. VCF-style: chr6-7574719-A-C. GRCh37 (hg19) VCF-style: chr6-7574952-A-C.
Other names: p.Y787S:TAT>TCT; c.2360A>C (LRG_423t1); c.2360A>C, p.Tyr787Ser (NM_001008844.3, NM_001319034.2); short protein forms Y787S.
Identifiers: ClinVar variation 199868 (VCV000199868.12), dbSNP rs778350289, ClinGen allele CA005340.